The following is an entry in ClinVar:

ClinVar aggregate classification (germline): Uncertain significance (1 of 4 stars; one submission).

Conditions:
Epidermolysis bullosa simplex 3, localized or generalized intermediate, with BP230 deficiency (EBS3). Also called: Epidermolysis bullosa simplex, autosomal recessive 2; Epidermolysis bullosa simplex due to BP230 deficiency. Identifiers: Orphanet 412181, MedGen C3809470, MONDO:0014180, OMIM 615425.
Hereditary sensory and autonomic neuropathy type 6. Also called: Neuropathy, hereditary sensory and autonomic, type VI; HSAN VI. Identifiers: Orphanet 314381, MedGen C3539003, MONDO:0013839, OMIM 614653.

Submission:

Labcorp Genetics (formerly Invitae), Labcorp
Classification: Uncertain significance for Epidermolysis bullosa simplex 3, localized or generalized intermediate, with BP230 deficiency; Hereditary sensory and autonomic neuropathy type 6. Last evaluated: 2019-04-05. Review status: criteria provided, single submitter. Criteria: Invitae Variant Classification Sherloc (09022015). Collection method: clinical testing. Allele origin: germline.
Comment: This sequence change replaces aspartate with alanine at codon 2728 of the DST protein (p.Asp2728Ala). The aspartate residue is highly conserved and there is a moderate physicochemical difference between aspartate and alanine. The DST gene has multiple clinically relevant transcripts. The p.Asp2718Ala variant occurs in alternate transcript NM_015548.4, which corresponds to c.*62777A>C in NM_001723.5, the primary transcript listed in the Methods. This variant is not present in population databases (ExAC no frequency). This variant has not been reported in the literature in individuals with DST-related conditions. Algorithms developed to predict the effect of missense changes on protein structure and function are either unavailable or do not agree on the potential impact of this missense change (SIFT: "Deleterious"; PolyPhen-2: "Not Available"; Align-GVGD: "Class C15"). In summary, the available evidence is currently insufficient to determine the role of this variant in disease. Therefore, it has been classified as a Variant of Uncertain Significance.

NM_001374736.1(DST):c.16052A>C (p.Asp5351Ala)

Gene: DST (dystonin; minus strand). Cytogenetic location: 6p12.1.
Variant type: single nucleotide variant.
Coding change: c.16052A>C on transcript NM_001374736.1 (MANE Select); coding-DNA position 16052, A replaced by C.
Protein change: p.Asp5351Ala; replaces aspartic acid 5351 with alanine.
Molecular consequence: missense variant.
Genome position (GRCh38, 1-based): chr6:56,552,740, T>G on the plus strand (A>C on the coding strand, the complement: DST is on the minus strand). VCF-style: chr6-56552740-T-G. GRCh37 (hg19) VCF-style: chr6-56417538-T-G.
Other names: c.9695A>C, p.Asp3232Ala (NM_001144769.5); c.9281A>C, p.Asp3094Ala (NM_001144770.2); c.16052A>C, p.Asp5351Ala (NM_001374722.1); c.15419A>C, p.Asp5140Ala (NM_001374729.1); c.9161A>C, p.Asp3054Ala (NM_001374730.1, NM_183380.4); c.16079A>C, p.Asp5360Ala (NM_001374734.1); c.8183A>C, p.Asp2728Ala (NM_015548.5); short protein forms D3054A, D3232A, D5140A, D2728A, D3094A, D5351A, D5360A.
Identifiers: ClinVar variation 969914 (VCV000969914.8), dbSNP rs1287393894, ClinGen allele CA364514477.